The following is an entry in ClinVar:

ClinVar aggregate classification (germline): Uncertain significance (1 of 4 stars; one submission).

Submission:

Labcorp Genetics (formerly Invitae), Labcorp
Classification: Uncertain significance. Last evaluated: 2024-12-02. Review status: criteria provided, single submitter. Criteria: Invitae Variant Classification Sherloc (09022015). Collection method: clinical testing. Allele origin: germline.
Comment: This sequence change replaces glycine, which is neutral and non-polar, with valine, which is neutral and non-polar, at codon 2271 of the FRYL protein (p.Gly2271Val). This variant is not present in population databases (gnomAD no frequency). This variant has not been reported in the literature in individuals affected with FRYL-related conditions. An algorithm developed to predict the effect of missense changes on protein structure and function (PolyPhen-2) suggests that this variant is likely to be tolerated. In summary, the available evidence is currently insufficient to determine the role of this variant in disease. Therefore, it has been classified as a Variant of Uncertain Significance.

NM_015030.2(FRYL):c.6812G>T (p.Gly2271Val)

Gene: FRYL (FRY like transcription coactivator; minus strand). Cytogenetic location: 4p11.
Variant type: single nucleotide variant.
Coding change: c.6812G>T on transcript NM_015030.2 (MANE Select); coding-DNA position 6812, G replaced by T.
Protein change: p.Gly2271Val; replaces glycine 2271 with valine.
Molecular consequence: missense variant.
Genome position (GRCh38, 1-based): chr4:48,531,247, C>A on the plus strand (G>T on the coding strand, the complement: FRYL is on the minus strand). VCF-style: chr4-48531247-C-A. GRCh37 (hg19) VCF-style: chr4-48533264-C-A.
Other names: short protein forms G2271V.
Identifiers: ClinVar variation 3726493 (VCV003726493.2).